The following is an entry in ClinVar:

NM_001099338.2(NUTM2A):c.2631C>T (p.Ser877=)

Gene: NUTM2A (NUT family member 2A; plus strand). Cytogenetic location: 10q23.2.
Variant type: single nucleotide variant.
Coding change: c.2631C>T on transcript NM_001099338.2 (MANE Select); coding-DNA position 2631, C replaced by T.
Protein change: p.Ser877=; no amino-acid change (serine 877 retained).
Molecular consequence: synonymous variant.
Genome position (GRCh38, 1-based): chr10:87,234,702, C>T. VCF-style: chr10-87234702-C-T. GRCh37 (hg19) VCF-style: chr10-88994459-C-T.
Identifiers: ClinVar variation 3777981 (VCV003777981.7).

ClinVar aggregate classification (germline): Likely benign (1 of 4 stars; one submission).

Submission:

CeGaT Center for Human Genetics Tuebingen
Classification: Likely benign. Last evaluated: 2026-04-01. Review status: criteria provided, single submitter. Criteria: CeGaT Center For Human Genetics Tuebingen Variant Classification Criteria Version 2. Collection method: clinical testing. Allele origin: germline. Affected: yes. Observed: 5 variant alleles.
Comment: NUTM2A: BP4, BP7